The following is an entry in ClinVar:

ClinVar aggregate classification (germline): Uncertain significance (1 of 4 stars; one submission).

Allele frequency attached by ClinVar (database versions not stated): gnomAD exomes below 0.00001.
gnomAD v4.1: 1 of 1,613,638 alleles (0.000062%); highest among the groups gnomAD compares: Non-Finnish European, 0.000085%; no homozygotes.

Submission:

GeneDx
Classification: Uncertain significance. Last evaluated: 2023-01-31. Review status: criteria provided, single submitter. Criteria: GeneDx Variant Classification Process June 2021. Collection method: clinical testing. Allele origin: germline. Affected: yes.
Comment: Not observed at significant frequency in large population cohorts (gnomAD); In silico analysis supports that this missense variant does not alter protein structure/function; Has not been previously published as pathogenic or benign to our knowledge

NM_138615.3(DHX30):c.1118C>T (p.Ala373Val)

Gene: DHX30 (DExH-box helicase 30; plus strand). Cytogenetic location: 3p21.31.
Variant type: single nucleotide variant.
Coding change: c.1118C>T on transcript NM_138615.3 (MANE Select); coding-DNA position 1118, C replaced by T.
Protein change: p.Ala373Val; replaces alanine 373 with valine.
Molecular consequence: missense variant.
Genome position (GRCh38, 1-based): chr3:47,846,190, C>T. VCF-style: chr3-47846190-C-T. GRCh37 (hg19) VCF-style: chr3-47887680-C-T.
Other names: c.1034C>T, p.Ala345Val (NM_001330990.2); c.1001C>T, p.Ala334Val (NM_014966.4); short protein forms A334V, A345V, A373V.
Identifiers: ClinVar variation 2574280 (VCV002574280.1), dbSNP rs377228431, ClinGen allele CA352585698.